The following is an entry in ClinVar:

ClinVar aggregate classification (germline): Uncertain significance. Review status: criteria provided, multiple submitters, no conflicts (2 of 4 stars). 4 submissions from 4 submitters: Uncertain significance (4). Last evaluated 2024-10-24.

Conditions:
Primary ciliary dyskinesia. Also called: Ciliary dyskinesia. Identifiers: Orphanet 244, MedGen C0008780, MONDO:0016575, HP:0012265.
Primary ciliary dyskinesia 14. Also called: CILIARY DYSKINESIA, PRIMARY, 14, WITH OR WITHOUT SITUS INVERSUS. Identifiers: Orphanet 244, MedGen C3151136, MONDO:0013434, OMIM 613807.

Allele frequency attached by ClinVar (database versions not stated): ExAC 0.00004; gnomAD 0.00005 and 0.00004; gnomAD exomes 0.00004; TOPMed 0.00005.
gnomAD v4.1: 95 of 1,613,118 alleles (0.0059%); highest among the groups gnomAD compares: African/African-American, 0.012%; no homozygotes.

Submissions (4):

Labcorp Genetics (formerly Invitae), Labcorp
Classification: Uncertain significance for Primary ciliary dyskinesia. Last evaluated: 2024-10-24. Review status: criteria provided, single submitter. Criteria: Invitae Variant Classification Sherloc (09022015). Collection method: clinical testing. Allele origin: germline.
Comment: This sequence change replaces arginine, which is basic and polar, with cysteine, which is neutral and slightly polar, at codon 876 of the CCDC39 protein (p.Arg876Cys). This variant is present in population databases (rs745852520, gnomAD 0.01%). This variant has not been reported in the literature in individuals affected with CCDC39-related conditions. ClinVar contains an entry for this variant (Variation ID: 344261). An algorithm developed to predict the effect of missense changes on protein structure and function (PolyPhen-2) suggests that this variant is likely to be disruptive. Algorithms developed to predict the effect of sequence changes on RNA splicing suggest that this variant may disrupt the consensus splice site. In summary, the available evidence is currently insufficient to determine the role of this variant in disease. Therefore, it has been classified as a Variant of Uncertain Significance.

Ambry Genetics
Classification: Uncertain significance for Primary ciliary dyskinesia. Last evaluated: 2024-02-05. Review status: criteria provided, single submitter. Criteria: Ambry Variant Classification Scheme 2023. Collection method: clinical testing. Allele origin: germline.

Fulgent Genetics
Classification: Uncertain significance for Primary ciliary dyskinesia 14. Last evaluated: 2021-09-27. Review status: criteria provided, single submitter. Criteria: ACMG Guidelines, 2015. Collection method: clinical testing. Allele origin: unknown.

Illumina Laboratory Services, Illumina
Classification: Uncertain significance for Primary ciliary dyskinesia 14. Last evaluated: 2018-01-13. Review status: criteria provided, single submitter. Criteria: ICSL Variant Classification Criteria 13 December 2019. Collection method: clinical testing. Allele origin: germline.

NM_181426.2(CCDC39):c.2626C>T (p.Arg876Cys)

Genes: CCDC39 (coiled-coil domain 39 molecular ruler complex subunit; minus strand), TTC14 (tetratricopeptide repeat domain 14; plus strand). Cytogenetic location: 3q26.33.
Variant type: single nucleotide variant.
Coding change: c.2626C>T on transcript NM_181426.2 (MANE Select); coding-DNA position 2626, C replaced by T.
Protein change: p.Arg876Cys; replaces arginine 876 with cysteine.
Molecular consequence: missense variant. On other transcripts: intron variant (1).
Genome position (GRCh38, 1-based): chr3:180,616,324, G>A on the plus strand (C>T on the coding strand, the complement: CCDC39 is on the minus strand). VCF-style: chr3-180616324-G-A. GRCh37 (hg19) VCF-style: chr3-180334112-G-A.
Other names: c.1775-1056G>A (NM_001288582.2); short protein forms R876C.
Identifiers: ClinVar variation 344261 (VCV000344261.15), dbSNP rs745852520, ClinGen allele CA2715615.